The following is an entry in ClinVar:

NM_001080.3(ALDH5A1):c.539A>G (p.His180Arg)

Gene: ALDH5A1 (aldehyde dehydrogenase 5 family member A1; plus strand). Cytogenetic location: 6p22.3.
Variant type: single nucleotide variant.
Coding change: c.539A>G on transcript NM_001080.3 (MANE Select); coding-DNA position 539, A replaced by G.
Protein change: p.His180Arg; replaces histidine 180 with arginine.
Molecular consequence: missense variant.
Genome position (GRCh38, 1-based): chr6:24,503,363, A>G. VCF-style: chr6-24503363-A-G. GRCh37 (hg19) VCF-style: chr6-24503591-A-G.
Other names: c.539A>G, p.His180Arg (NM_001368954.1, NM_170740.1); short protein forms H180R.
Identifiers: ClinVar variation 2171157 (VCV002171157.2), dbSNP rs2532832647, ClinGen allele CA362969600.

ClinVar aggregate classification (germline): Uncertain significance (1 of 4 stars; one submission).

Conditions:
Succinate-semialdehyde dehydrogenase deficiency (SSADHD). Also called: 4-HYDROXYBUTYRIC ACIDURIA; GABA METABOLIC DEFECT; SSADH DEFICIENCY; Succinic Semialdehyde Dehydrogenase Deficiency. Identifiers: Orphanet 22, MedGen C0268631, MONDO:0010083, OMIM 271980.

Submission:

Labcorp Genetics (formerly Invitae), Labcorp
Classification: Uncertain significance for Succinate-semialdehyde dehydrogenase deficiency. Last evaluated: 2022-03-27. Review status: criteria provided, single submitter. Criteria: Invitae Variant Classification Sherloc (09022015). Collection method: clinical testing. Allele origin: germline.
Comment: Advanced modeling of protein sequence and biophysical properties (such as structural, functional, and spatial information, amino acid conservation, physicochemical variation, residue mobility, and thermodynamic stability) performed at Invitae indicates that this missense variant is not expected to disrupt ALDH5A1 protein function. In summary, the available evidence is currently insufficient to determine the role of this variant in disease. Therefore, it has been classified as a Variant of Uncertain Significance. This variant has not been reported in the literature in individuals affected with ALDH5A1-related conditions. This variant is not present in population databases (gnomAD no frequency). This sequence change replaces histidine, which is basic and polar, with arginine, which is basic and polar, at codon 180 of the ALDH5A1 protein (p.His180Arg).